The following is an entry in ClinVar:

ClinVar aggregate classification (germline): Uncertain significance (1 of 4 stars; one submission).

Conditions:
Familial intrahepatic cholestasis. Identifiers: Orphanet 284385, MedGen CN296401, MONDO:0017290.

Submission:

Genomenon, Inc
Classification: Uncertain significance for Familial intrahepatic cholestasis. Last evaluated: 2026-04-14. Review status: criteria provided, single submitter. Criteria: Genomenon Sequence Variant Interpretation Standards - Updated. Collection method: curation. Allele origin: germline. Affected: yes.
Comment: ABCB11 p.Gly1222Trp (c.3664G>T) is a missense variant that changes the amino acid at residue 1222 from Glycine to Tryptophan. This variant has been observed in at least one individual with transient neonatal cholestasis (PMID:32808743). It is absent or not present at a significant frequency in gnomAD. In silico models predict that this variant is possibly or probably damaging. In conclusion, we classify ABCB11 p.Gly1222Trp (c.3664G>T) as a variant of uncertain significance.

Literature cited by the submitters: PubMed 32808743.

NM_003742.4(ABCB11):c.3664G>T (p.Gly1222Trp)

Gene: ABCB11 (ATP binding cassette subfamily B member 11; minus strand). Cytogenetic location: 2q31.1.
Variant type: single nucleotide variant.
Coding change: c.3664G>T on transcript NM_003742.4 (MANE Select); coding-DNA position 3664, G replaced by T.
Protein change: p.Gly1222Trp; replaces glycine 1222 with tryptophan.
Molecular consequence: missense variant.
Genome position (GRCh38, 1-based): chr2:168,924,758, C>A on the plus strand (G>T on the coding strand, the complement: ABCB11 is on the minus strand). VCF-style: chr2-168924758-C-A. GRCh37 (hg19) VCF-style: chr2-169781268-C-A.
Other names: short protein forms G1222W.
Identifiers: ClinVar variation 4846011 (VCV004846011.1).
Genomic context (GRCh38, chr2:168,924,758, plus strand): 5'-GTAGCAAGATTTTAGGATCTCGTACAATGGCCCGAGCAATAGCAATGCGTTGTTTCTCCC[C>A]TCTAGAGAGTTGAGACCCCTGGGACCCAACGTTAGTTTCATATTTCTGAAAAAAAGTATG-3'
Protein context (NP_003733.2, residues 1212-1232): VGSQGSQLSR[Gly1222Trp]EKQRIAIARA